The following is an entry in ClinVar:

NM_022356.4(P3H1):c.617T>C (p.Met206Thr)

Gene: P3H1 (prolyl 3-hydroxylase 1; minus strand). Cytogenetic location: 1p34.2.
Variant type: single nucleotide variant.
Coding change: c.617T>C on transcript NM_022356.4 (MANE Select); coding-DNA position 617, T replaced by C.
Protein change: p.Met206Thr; replaces methionine 206 with threonine.
Molecular consequence: missense variant.
Genome position (GRCh38, 1-based): chr1:42,762,324, A>G on the plus strand (T>C on the coding strand, the complement: P3H1 is on the minus strand). VCF-style: chr1-42762324-A-G. GRCh37 (hg19) VCF-style: chr1-43227995-A-G.
Other names: c.617T>C, p.Met206Thr (NM_001146289.2, NM_001243246.2); short protein forms M206T.
Identifiers: ClinVar variation 2092822 (VCV002092822.1), dbSNP rs2524492279, ClinGen allele CA339961665.

ClinVar aggregate classification (germline): Uncertain significance (1 of 4 stars; one submission).

Conditions:
Osteogenesis imperfecta type 8 (OI8). Identifiers: MedGen C1970458, MONDO:0012581, OMIM 610915.

Allele frequency attached by ClinVar (database versions not stated): gnomAD exomes below 0.00001.

Submission:

Labcorp Genetics (formerly Invitae), Labcorp
Classification: Uncertain significance for Osteogenesis imperfecta type 8. Last evaluated: 2022-03-25. Review status: criteria provided, single submitter. Criteria: Invitae Variant Classification Sherloc (09022015). Collection method: clinical testing. Allele origin: germline.
Comment: This sequence change replaces methionine, which is neutral and non-polar, with threonine, which is neutral and polar, at codon 206 of the P3H1 protein (p.Met206Thr). This variant is not present in population databases (gnomAD no frequency). This variant has not been reported in the literature in individuals affected with P3H1-related conditions. Algorithms developed to predict the effect of missense changes on protein structure and function (SIFT, PolyPhen-2, Align-GVGD) all suggest that this variant is likely to be tolerated. In summary, the available evidence is currently insufficient to determine the role of this variant in disease. Therefore, it has been classified as a Variant of Uncertain Significance.